The following is an entry in ClinVar:

NM_032222.3(MINDY4):c.1617G>A (p.Thr539=)

Genes: INMT-MINDY4 (INMT-MINDY4 readthrough (NMD candidate); plus strand), MINDY4 (MINDY lysine 48 deubiquitinase 4; plus strand). Cytogenetic location: 7p14.3.
Variant type: single nucleotide variant.
Coding change: c.1617G>A on transcript NM_032222.3 (MANE Select); coding-DNA position 1617, G replaced by A.
Protein change: p.Thr539=; no amino-acid change (threonine 539 retained).
Molecular consequence: synonymous variant. On other transcripts: non-coding transcript variant (1).
Genome position (GRCh38, 1-based): chr7:30,853,399, G>A. VCF-style: chr7-30853399-G-A. GRCh37 (hg19) VCF-style: chr7-30893015-G-A.
Identifiers: ClinVar variation 2657375 (VCV002657375.24), dbSNP rs754685088, ClinGen allele CA4207661.
Genomic context (GRCh38, chr7:30,853,399, plus strand): 5'-ATGGGGCACTGCGTGGGGCTTGGGCCACTCATCCTGAGTGTTTGTGTCTTCTCAGCTTAC[G>A]CTTCACAGTTTGACCTGCTATGAGGACCTGGTGACTTTTCTTCAACAAAGCATTCATCAG-3'
Protein context (NP_115598.2, residues 529-549): YKADGVLETL[Thr539=]LHSLTCYEDL

ClinVar aggregate classification (germline): Likely benign (1 of 4 stars; one submission).

Allele frequency attached by ClinVar (database versions not stated): gnomAD 0.00002; gnomAD exomes 0.00002; TOPMed 0.00003; ExAC 0.00004.
gnomAD v4.1: 38 of 1,613,356 alleles (0.0024%); highest among the groups gnomAD compares: Non-Finnish European, 0.0027%; no homozygotes.

Submission:

CeGaT Center for Human Genetics Tuebingen
Classification: Likely benign. Last evaluated: 2022-08-01. Review status: criteria provided, single submitter. Criteria: CeGaT Center For Human Genetics Tuebingen Variant Classification Criteria Version 2. Collection method: clinical testing. Allele origin: germline. Affected: yes. Observed: 1 variant allele.
Comment: MINDY4: BP4, BP7